The following is an entry in ClinVar:

ClinVar aggregate classification (germline): Likely pathogenic (1 of 4 stars; one submission).

Conditions:
Mucopolysaccharidosis, MPS-II (MPS2). Also called: Hunter Syndrome; IDURONATE 2-SULFATASE DEFICIENCY; Mucopolysaccharidosis Type II; Mucopolysaccharidosis type 2; Attenuated MPS (subtype; formerly known as mild MPS II); Severe MPS II. Identifiers: Orphanet 580, Orphanet 79388, MedGen C0026705, MONDO:0010674, OMIM 309900.

Submission:

Laboratory of Diagnosis and Therapy of Lysosomal Disorders, University of Padova
Classification: Likely pathogenic for Mucopolysaccharidosis, MPS-II. Last evaluated: 2024-06-07. Review status: criteria provided, single submitter. Criteria: ACMG Guidelines, 2015. Collection method: literature only. Allele origin: germline. Affected: yes. Observed: 1 variant allele.
Comment: Absent from controls (or at low frequency) in gnomAD database (PM2_Moderate), Protein length changes in a nonrepeat region or stop–loss variants (PM4_Moderate), Patient’s phenotype or family history highly specific for the disease (PP4_Strong)

Classification method: ACMG Guidelines [PMID:25741868] with modifications

Literature cited by the submitters: PubMed 35005816.

NM_000202.8(IDS):c.841_873del (p.Ile281_Asp291del)

Genes: IDS (iduronate 2-sulfatase; minus strand), LOC106050102 (IDS recombination region; plus strand). Cytogenetic location: Xq28.
Variant type: Deletion.
Coding change: c.841_873del on transcript NM_000202.8 (MANE Select); coding-DNA positions 841 to 873, 33 bases deleted.
Protein change: p.Ile281_Asp291del.
Molecular consequence: inframe deletion. On other transcripts: non-coding transcript variant (1).
Genome position (GRCh38, 1-based): chrX:149,496,352-149,496,384, 33 bases deleted; deleting any 33 consecutive bases within chrX:149,496,352-149,496,386 gives the same sequence; the c. name uses the placement nearest the transcript's 3' end. GRCh37 (hg19): chrX:148,577,885-148,577,917.
Other names: c.571_603del, p.Ile191_Asp201del (NM_001166550.4); c.841_873del, p.Ile281_Asp291del (NM_006123.5).
Identifiers: ClinVar variation 3255861 (VCV003255861.2).